The following is an entry in ClinVar:

NM_178857.6(RP1L1):c.3125T>A (p.Val1042Asp)

Gene: RP1L1 (RP1 like 1). Cytogenetic location: 8p23.1.
Variant type: single nucleotide variant.
Coding change: c.3125T>A on transcript NM_178857.6 (MANE Select); coding-DNA position 3125, T replaced by A.
Protein change: p.Val1042Asp; replaces valine 1042 with aspartic acid.
Molecular consequence: missense variant.
Genome position (GRCh38, 1-based): chr8:10,610,973, A>T on the plus strand (T>A on the coding strand, the complement: RP1L1 is on the minus strand). VCF-style: chr8-10610973-A-T. GRCh37 (hg19) VCF-style: chr8-10468483-A-T.
Other names: c.3125T>A (NM_178857.5); short protein forms V1042D.
Identifiers: ClinVar variation 1284759 (VCV001284759.31), dbSNP rs201692326, ClinGen allele CA4624593.

ClinVar aggregate classification (germline): Conflicting classifications of pathogenicity. Review status: criteria provided, conflicting classifications (1 of 4 stars). 5 submissions from 5 submitters: Uncertain significance (1); Likely benign (2). 2 of the submissions do not count toward it. Last evaluated 2024-08-28.

Conditions:
Inborn genetic diseases. Identifiers: MedGen C0950123, MeSH D030342.

Allele frequency attached by ClinVar (database versions not stated): gnomAD exomes 0.00016 and 0.00039; ExAC 0.00048; ESP Exome Variant Server 0.00146; gnomAD 0.00165 and 0.00167; TOPMed 0.00179; 1000 Genomes Project 0.00180; 1000 Genomes Project 30x 0.00203.
gnomAD v4.1: 487 of 1,612,026 alleles (0.03%); highest among the groups gnomAD compares: African/African-American, 0.59%; 1 homozygote.

Submissions (5):

Blueprint Genetics
Classification: Likely benign. Last evaluated: 2024-08-28. Review status: criteria provided, single submitter. Criteria: ACMG Guidelines, 2015. Collection method: clinical testing. Allele origin: germline.

Ambry Genetics
Classification: Uncertain significance for Inborn genetic diseases. Last evaluated: 2024-05-21. Review status: criteria provided, single submitter. Criteria: Ambry Variant Classification Scheme 2023. Collection method: clinical testing. Allele origin: germline.

CeGaT Center for Human Genetics Tuebingen
Classification: Likely benign. Last evaluated: 2023-03-01. Review status: criteria provided, single submitter. Criteria: CeGaT Center For Human Genetics Tuebingen Variant Classification Criteria Version 2. Collection method: clinical testing. Allele origin: germline. Affected: yes. Observed: 1 variant allele.
Comment: RP1L1: BP4

Clinical Genetics DNA and cytogenetics Diagnostics Lab, Erasmus MC, Erasmus Medical Center
Classification: Likely benign. Review status: no assertion criteria provided. Collection method: clinical testing. Allele origin: germline. Affected: yes. Study: VKGL Data-share Consensus. Not counted in ClinVar's aggregate classification.

Clinical Genetics, Academic Medical Center
Classification: Benign. Review status: no assertion criteria provided. Collection method: clinical testing. Allele origin: germline. Affected: yes. Study: VKGL Data-share Consensus. Not counted in ClinVar's aggregate classification.